The following is an entry in ClinVar:

NM_030665.4(RAI1):c.367G>A (p.Ala123Thr)

Gene: RAI1 (retinoic acid induced 1; plus strand). Cytogenetic location: 17p11.2.
Variant type: single nucleotide variant.
Coding change: c.367G>A on transcript NM_030665.4 (MANE Select); coding-DNA position 367, G replaced by A.
Protein change: p.Ala123Thr; replaces alanine 123 with threonine.
Molecular consequence: missense variant.
Genome position (GRCh38, 1-based): chr17:17,793,315, G>A. VCF-style: chr17-17793315-G-A. GRCh37 (hg19) VCF-style: chr17-17696629-G-A.
Other names: c.367G>A (NM_030665.3); short protein forms A123T.
Identifiers: ClinVar variation 1447482 (VCV001447482.9), dbSNP rs952492764, ClinGen allele CA288366977.

ClinVar aggregate classification (germline): Uncertain significance. Review status: criteria provided, single submitter (1 of 4 stars). 2 submissions from 2 submitters: Uncertain significance (1). 1 of the submissions does not count toward it. Last evaluated 2022-08-31.

Conditions:
RAI1-related disorder. Also called: RAI1-related condition.

Submissions (2):

Labcorp Genetics (formerly Invitae), Labcorp
Classification: Uncertain significance. Last evaluated: 2022-08-31. Review status: criteria provided, single submitter. Criteria: Invitae Variant Classification Sherloc (09022015). Collection method: clinical testing. Allele origin: germline.
Comment: Algorithms developed to predict the effect of missense changes on protein structure and function output the following: SIFT: "Tolerated"; PolyPhen-2: "Benign"; Align-GVGD: "Class C0". The threonine amino acid residue is found in multiple mammalian species, which suggests that this missense change does not adversely affect protein function. ClinVar contains an entry for this variant (Variation ID: 1447482). This variant has not been reported in the literature in individuals affected with RAI1-related conditions. The frequency data for this variant in the population databases is considered unreliable, as metrics indicate poor data quality at this position in the gnomAD database. This sequence change replaces alanine, which is neutral and non-polar, with threonine, which is neutral and polar, at codon 123 of the RAI1 protein (p.Ala123Thr). In summary, the available evidence is currently insufficient to determine the role of this variant in disease. Therefore, it has been classified as a Variant of Uncertain Significance.

PreventionGenetics, part of Exact Sciences
Classification: Uncertain significance for RAI1-related condition. Last evaluated: 2023-11-14. Review status: no assertion criteria provided. Collection method: clinical testing. Allele origin: germline. Not counted in ClinVar's aggregate classification.
Comment: The RAI1 c.367G>A variant is predicted to result in the amino acid substitution p.Ala123Thr. To our knowledge, this variant has not been reported in the literature. This variant is reported in 0.0029% of alleles in individuals of Latino descent in gnomAD. At this time, the clinical significance of this variant is uncertain due to the absence of conclusive functional and genetic evidence.